The following is an entry in ClinVar:

NM_000092.5(COL4A4):c.3676C>T (p.Arg1226Cys)

Gene: COL4A4 (collagen type IV alpha 4 chain; minus strand). Cytogenetic location: 2q36.3.
Variant type: single nucleotide variant.
Coding change: c.3676C>T on transcript NM_000092.5 (MANE Select); coding-DNA position 3676, C replaced by T.
Protein change: p.Arg1226Cys; replaces arginine 1226 with cysteine.
Molecular consequence: missense variant.
Genome position (GRCh38, 1-based): chr2:227,032,178, G>A on the plus strand (C>T on the coding strand, the complement: COL4A4 is on the minus strand). VCF-style: chr2-227032178-G-A. GRCh37 (hg19) VCF-style: chr2-227896894-G-A.
Other names: short protein forms R1226C.
Identifiers: ClinVar variation 2200293 (VCV002200293.9), dbSNP rs769191749, ClinGen allele CA2144455.

ClinVar aggregate classification (germline): Conflicting classifications of pathogenicity. Review status: criteria provided, conflicting classifications (1 of 4 stars). 4 submissions from 4 submitters: Uncertain significance (3); Likely benign (1). Last evaluated 2026-06-26.

Conditions:
Autosomal recessive Alport syndrome (ATS2). Also called: COL4A4 Alport Syndrome and Thin Basement Membrane Nephropathy; COL4A3-Related Nephropathy; ALPORT SYNDROME 2, AUTOSOMAL RECESSIVE; Alport syndrome type 2. Identifiers: Orphanet 63, Orphanet 88919, MedGen C4746745, MONDO:0008762, OMIM 203780.
Hematuria, benign familial, 1 (BFH1). Also called: THIN MEMBRANE NEPHROPATHY. Identifiers: MedGen CN376803, MONDO:0007709, OMIM 141200.
COL4A4-related disorder.

Allele frequency attached by ClinVar (database versions not stated): gnomAD 0.00003.
gnomAD v4.1: 27 of 1,614,168 alleles (0.0017%); highest among the groups gnomAD compares: East Asian, 0.025%; no homozygotes.

Submissions (4):

PreventionGenetics, part of Exact Sciences
Classification: Uncertain significance for COL4A4-related condition. Last evaluated: 2026-06-26. Review status: criteria provided, single submitter. Criteria: ACMG Guidelines, 2015. Collection method: clinical testing. Allele origin: germline.
Comment: The COL4A4 c.3676C>T variant is predicted to result in the amino acid substitution p.Arg1226Cys. To our knowledge, this variant has not been reported in the literature. This variant is reported in 0.033% of alleles in individuals of East Asian descent in gnomAD. Although we suspect that this variant may be benign, at this time, the clinical significance of this variant is uncertain due to the absence of conclusive functional and genetic evidence.

Labcorp Genetics (formerly Invitae), Labcorp
Classification: Likely benign. Last evaluated: 2026-01-26. Review status: criteria provided, single submitter. Criteria: Invitae Variant Classification Sherloc (09022015). Collection method: clinical testing. Allele origin: germline.

Fulgent Genetics
Classification: Uncertain significance for Hematuria, benign familial, 1; Autosomal recessive Alport syndrome. Last evaluated: 2024-05-30. Review status: criteria provided, single submitter. Criteria: ACMG Guidelines, 2015. Collection method: clinical testing. Allele origin: germline.

Revvity Omics, Revvity
Classification: Uncertain significance. Last evaluated: 2021-09-15. Review status: criteria provided, single submitter. Criteria: ACMG Guidelines, 2015. Collection method: clinical testing. Allele origin: germline.